The following is an entry in ClinVar:

ClinVar aggregate classification (germline): Likely pathogenic (1 of 4 stars; one submission).

Conditions:
Cone-rod dystrophy and hearing loss 1 (CRDHL1). Identifiers: MedGen C5193018, MONDO:0020778, OMIM 617236.

Submission:

Broad Center for Mendelian Genomics, Broad Institute of MIT and Harvard
Classification: Likely pathogenic for Cone-rod dystrophy and hearing loss 1. Last evaluated: 2023-08-24. Review status: criteria provided, single submitter. Criteria: ACMG/ClinGen CNV Guidelines, 2019. Collection method: research. Allele origin: unknown. Inheritance: Autosomal recessive inheritance. Affected: yes.
Comment: These breakpoints have been estimated by exome sequencing only and therefore may not reflect the true breakpoints. Inheritance information is unavailable. The patient phenotype is nonspecific, but is consistent with cases described in the literature and/or published databases with overlapping variants. There is overlap with the 3’ end of the CEP78 gene including coding sequence. This alteration is then predicted to lead to a truncated or absent protein. Loss of function of CEP78is an established disease mechanism in autosomal recessive cone-rod dystrophy and hearing loss. In summary, although additional studies are required to fully establish its clinical significance, this variant is likely pathogenic for autosomal recessive cone-rod dystrophy. The ACMG/ClinGen evidence codes and points used in this curation are as follows: 1: 0 points, 2: 0.9 points, 4-5: 0.08 points; Total: 0.98 points; Riggs 2020 (PMID: 31690835).

GRCh38/hg38 9q21.2(chr9:78235965-78243734)x1

Gene: CEP78 (centrosomal protein 78; plus strand). Cytogenetic location: 9q21.2.
Variant type: copy number loss.
Change: copy number 1 (one copy instead of two) of chr9:78,235,965-78,243,734 (7.8 kb, GRCh38 coordinates, 1-based), cytogenetic band 9q21.2.
Identifiers: ClinVar variation 2579255 (VCV002579255.1).